The following is an entry in ClinVar:

ClinVar aggregate classification (germline): Benign/Likely benign. Review status: criteria provided, multiple submitters, no conflicts (2 of 4 stars). 2 submissions from 2 submitters: Benign (1); Likely benign (1). Last evaluated 2024-09-25.

Conditions:
Hereditary cancer-predisposing syndrome. Also called: Neoplastic Syndromes, Hereditary; Hereditary neoplastic syndrome; Tumor predisposition; Hereditary Cancer Syndrome. Identifiers: Orphanet 140162, MedGen C0027672, MeSH D009386, MONDO:0015356.
Melanoma, cutaneous malignant, susceptibility to, 3. Also called: Cutaneous malignant melanoma 3. Identifiers: Orphanet 618, MedGen C1836892, MONDO:0012183, OMIM 609048.

Submissions (2):

Myriad Genetics, Inc.
Classification: Benign for Melanoma, cutaneous malignant, susceptibility to, 3. Last evaluated: 2024-09-25. Review status: criteria provided, single submitter. Criteria: Myriad Autosomal Dominant, Autosomal Recessive and X-Linked Classification Criteria (2023). Collection method: clinical testing. Allele origin: unknown.
Comment: This variant is considered benign. This variant is a silent/synonymous amino acid change and it is not expected to impact splicing.

Ambry Genetics
Classification: Likely benign for Hereditary cancer-predisposing syndrome. Last evaluated: 2023-01-20. Review status: criteria provided, single submitter. Criteria: Ambry Variant Classification Scheme 2023. Collection method: clinical testing. Allele origin: germline.

NM_000075.4(CDK4):c.255G>A (p.Arg85=)

Gene: CDK4 (cyclin dependent kinase 4; minus strand). Cytogenetic location: 12q14.1.
Variant type: single nucleotide variant.
Coding change: c.255G>A on transcript NM_000075.4 (MANE Select); coding-DNA position 255, G replaced by A.
Protein change: p.Arg85=; no amino-acid change (arginine 85 retained).
Molecular consequence: synonymous variant.
Genome position (GRCh38, 1-based): chr12:57,751,306, C>T on the plus strand (G>A on the coding strand, the complement: CDK4 is on the minus strand). VCF-style: chr12-57751306-C-T. GRCh37 (hg19) VCF-style: chr12-58145089-C-T.
Identifiers: ClinVar variation 2480956 (VCV002480956.3), dbSNP rs1565806692, ClinGen allele CA480404613.